The following is an entry in ClinVar:

NM_207122.2(EXT2):c.1208T>C (p.Ile403Thr)

Gene: EXT2 (exostosin glycosyltransferase 2; plus strand). Cytogenetic location: 11p11.2.
Variant type: single nucleotide variant.
Coding change: c.1208T>C on transcript NM_207122.2 (MANE Select); coding-DNA position 1208, T replaced by C.
Protein change: p.Ile403Thr; replaces isoleucine 403 with threonine.
Molecular consequence: missense variant. On other transcripts: intron variant (1).
Genome position (GRCh38, 1-based): chr11:44,171,645, T>C. VCF-style: chr11-44171645-T-C. GRCh37 (hg19) VCF-style: chr11-44193195-T-C.
Other names: c.1307T>C, p.Ile436Thr (NM_000401.3); c.1208T>C, p.Ile403Thr (NM_001389628.1, NM_001389630.1); c.1267-29T>C (NM_001178083.3); short protein forms I436T, I403T.
Identifiers: ClinVar variation 304588 (VCV000304588.15), dbSNP rs530523884, ClinGen allele CA5955194.

ClinVar aggregate classification (germline): Likely benign. Review status: criteria provided, multiple submitters, no conflicts (2 of 4 stars). 4 submissions from 4 submitters: Likely benign (3). 1 of the submissions does not count toward it. Last evaluated 2025-10-14.

Conditions:
EXT2-related disorder. Also called: EXT2-related condition.
Exostoses, multiple, type 1 (EXT1). Also called: Hereditary Multiple Osteochondromatosis, Type I; EXOSTOSES, MULTIPLE, TYPE I. Identifiers: MedGen CN263289, MONDO:0007585, OMIM 133700.
Exostoses, multiple, type 2 (EXT2). Also called: Hereditary Multiple Osteochondromatosis, Type II; EXOSTOSES, MULTIPLE, TYPE II. Identifiers: Orphanet 321, MedGen C1851413, MONDO:0007586, OMIM 133701.

Allele frequency attached by ClinVar (database versions not stated): gnomAD 0.00001 and 0.00009; TOPMed 0.00004; gnomAD exomes 0.00014 and 0.00029; ExAC 0.00033; 1000 Genomes Project 0.00100; 1000 Genomes Project 30x 0.00109.
gnomAD v4.1: 232 of 1,614,158 alleles (0.014%); highest among the groups gnomAD compares: South Asian, 0.23%; 2 homozygotes.

Submissions (4):

Labcorp Genetics (formerly Invitae), Labcorp
Classification: Likely benign for Exostoses, multiple, type 2. Last evaluated: 2025-10-14. Review status: criteria provided, single submitter. Criteria: Invitae Variant Classification Sherloc (09022015). Collection method: clinical testing. Allele origin: germline.

KCCC/NGS Laboratory, Kuwait Cancer Control Center
Classification: Likely benign for Exostoses, multiple, type 1. Last evaluated: 2023-07-07. Review status: criteria provided, single submitter. Criteria: ACMG Guidelines, 2015. Collection method: clinical testing. Allele origin: germline. Affected: yes.

Illumina Laboratory Services, Illumina
Classification: Likely benign for Exostoses, multiple, type 2. Last evaluated: 2017-04-27. Review status: criteria provided, single submitter. Criteria: ICSL Variant Classification Criteria 13 December 2019. Collection method: clinical testing. Allele origin: germline.
Comment: This variant was observed as part of a predisposition screen in an ostensibly healthy population. A literature search was performed for the gene, cDNA change, and amino acid change (where applicable). No publications were found based on this search. Allele frequency data from public databases allowed determination this variant is unlikely to cause disease. Therefore, this variant is classified as likely benign.

PreventionGenetics, part of Exact Sciences
Classification: Likely benign for EXT2-related condition. Last evaluated: 2023-06-06. Review status: no assertion criteria provided. Collection method: clinical testing. Allele origin: germline. Not counted in ClinVar's aggregate classification.
Comment: This variant is classified as likely benign based on ACMG/AMP sequence variant interpretation guidelines (Richards et al. 2015 PMID: 25741868, with internal and published modifications).